The following is an entry in ClinVar:

ClinVar aggregate classification (germline): Uncertain significance. Review status: criteria provided, multiple submitters, no conflicts (2 of 4 stars). 3 submissions from 3 submitters: Uncertain significance (3). Last evaluated 2025-02-11.

Conditions:
Hereditary cancer-predisposing syndrome. Also called: Tumor predisposition; Hereditary neoplastic syndrome; Hereditary Cancer Syndrome; Neoplastic Syndromes, Hereditary. Identifiers: Orphanet 140162, MedGen C0027672, MeSH D009386, MONDO:0015356.
Hereditary nonpolyposis colorectal neoplasms. Identifiers: MedGen C0009405, MeSH D003123.

Submissions (3):

Color Diagnostics, LLC DBA Color Health
Classification: Uncertain significance for Hereditary cancer-predisposing syndrome. Last evaluated: 2025-02-11. Review status: criteria provided, single submitter. Criteria: ACMG Guidelines, 2015. Collection method: clinical testing. Allele origin: germline.
Comment: This missense variant replaces glutamic acid with aspartic acid at codon 826 of the PMS2 protein. Computational prediction is inconclusive regarding the impact of this variant on protein structure and function. To our knowledge, functional studies have not been reported for this variant. This variant has not been reported in individuals affected with PMS2-related disorders in the literature. This variant has not been identified in the general population by the Genome Aggregation Database (gnomAD). The available evidence is insufficient to determine the role of this variant in disease conclusively. Therefore, this variant is classified as a Variant of Uncertain Significance.

Ambry Genetics
Classification: Uncertain significance for Hereditary cancer-predisposing syndrome. Last evaluated: 2025-01-23. Review status: criteria provided, single submitter. Criteria: Ambry Variant Classification Scheme 2023. Collection method: clinical testing. Allele origin: germline.
Comment: The p.E826D variant (also known as c.2478G>C), located in coding exon 15 of the PMS2 gene, results from a G to C substitution at nucleotide position 2478. The glutamic acid at codon 826 is replaced by aspartic acid, an amino acid with highly similar properties. This amino acid position is highly conserved in available vertebrate species. In addition, this alteration is predicted to be deleterious by in silico analysis. Based on the available evidence, the clinical significance of this variant remains unclear.

Labcorp Genetics (formerly Invitae), Labcorp
Classification: Uncertain significance for Hereditary nonpolyposis colorectal neoplasms. Last evaluated: 2024-11-11. Review status: criteria provided, single submitter. Criteria: Invitae Variant Classification Sherloc (09022015). Collection method: clinical testing. Allele origin: germline.
Comment: This sequence change replaces glutamic acid, which is acidic and polar, with aspartic acid, which is acidic and polar, at codon 826 of the PMS2 protein (p.Glu826Asp). The frequency data for this variant in the population databases (gnomAD) is considered unreliable due to the presence of homologous sequence, such as pseudogenes or paralogs, in the genome. This missense change has been observed in individual(s) with clinical features of Lynch syndrome (internal data). ClinVar contains an entry for this variant (Variation ID: 577398). Invitae Evidence Modeling incorporating data from in vitro experimental studies (internal data) indicates that this missense variant is not expected to disrupt PMS2 function with a negative predictive value of 95%. In summary, the available evidence is currently insufficient to determine the role of this variant in disease. Therefore, it has been classified as a Variant of Uncertain Significance.

NM_000535.7(PMS2):c.2478G>C (p.Glu826Asp)

Gene: PMS2 (PMS1 homolog 2, mismatch repair system component; minus strand). Cytogenetic location: 7p22.1.
Variant type: single nucleotide variant.
Coding change: c.2478G>C on transcript NM_000535.7 (MANE Select); coding-DNA position 2478, G replaced by C.
Protein change: p.Glu826Asp; replaces glutamic acid 826 with aspartic acid.
Molecular consequence: missense variant. On other transcripts: non-coding transcript variant (1).
Genome position (GRCh38, 1-based): chr7:5,973,510, C>G on the plus strand (G>C on the coding strand, the complement: PMS2 is on the minus strand). VCF-style: chr7-5973510-C-G. GRCh37 (hg19) VCF-style: chr7-6013141-C-G.
Other names: c.2073G>C, p.Glu691Asp (NM_001322003.2, NM_001322004.2, NM_001322005.2); c.2322G>C, p.Glu774Asp (NM_001322006.2); c.2160G>C, p.Glu720Asp (NM_001322007.2, NM_001322008.2); c.2106G>C, p.Glu702Asp (NM_001322009.2); c.1917G>C, p.Glu639Asp (NM_001322010.2); c.1545G>C, p.Glu515Asp (NM_001322011.2, NM_001322012.2); c.1905G>C, p.Glu635Asp (NM_001322013.2); c.2511G>C, p.Glu837Asp (NM_001322014.2); and 1 more; short protein forms E826D, E639D, E702D, E774D, E837D, E691D, E720D, E515D.
Identifiers: ClinVar variation 577398 (VCV000577398.13), dbSNP rs1562594255, ClinGen allele CA366734977.